The following is an entry in ClinVar:

ClinVar aggregate classification (germline): Conflicting classifications of pathogenicity. Review status: criteria provided, conflicting classifications (1 of 4 stars). 2 submissions from 2 submitters: Uncertain significance (1); Likely benign (1). Last evaluated 2023-03-23.

Conditions:
Hereditary cancer-predisposing syndrome. Also called: Hereditary Cancer Syndrome; Hereditary neoplastic syndrome; Tumor predisposition; Neoplastic Syndromes, Hereditary. Identifiers: Orphanet 140162, MedGen C0027672, MeSH D009386, MONDO:0015356.
Hereditary breast ovarian cancer syndrome. Also called: Breast and ovarian cancer; Hereditary breast and ovarian cancer syndrome; Hereditary breast and ovarian cancer syndrome (HBOC); BRCA1- and BRCA2-Associated Hereditary Breast and Ovarian Cancer; Hereditary breast and ovarian cancer; Hereditary breast and/or ovarian cancer syndrome. Identifiers: Orphanet 145, MedGen C0677776, MeSH D061325, MONDO:0003582. Disease mechanism: loss of function.

Submissions (2):

University of Washington Department of Laboratory Medicine, University of Washington
Classification: Likely benign for Hereditary cancer-predisposing syndrome. Last evaluated: 2023-03-23. Review status: criteria provided, single submitter. Criteria: Dines et al. (Genet Med. 2020). Collection method: curation. Allele origin: germline.
Comment: Missense variant in a coldspot region where missense variants are very unlikely to be pathogenic (PMID:31911673).

BRCA2 exon 11 coldspot. Reclassification based on statistical prior probability.

Labcorp Genetics (formerly Invitae), Labcorp
Classification: Uncertain significance for Hereditary breast ovarian cancer syndrome. Last evaluated: 2019-11-05. Review status: criteria provided, single submitter. Criteria: Invitae Variant Classification Sherloc (09022015). Collection method: clinical testing. Allele origin: germline.
Comment: In summary, the available evidence is currently insufficient to determine the role of this variant in disease. Therefore, it has been classified as a Variant of Uncertain Significance. Algorithms developed to predict the effect of missense changes on protein structure and function (SIFT, PolyPhen-2, Align-GVGD) all suggest that this variant is likely to be tolerated, but these predictions have not been confirmed by published functional studies and their clinical significance is uncertain. This variant has not been reported in the literature in individuals with BRCA2-related conditions. This variant is not present in population databases (ExAC no frequency). This sequence change replaces histidine with proline at codon 1350 of the BRCA2 protein (p.His1350Pro). The histidine residue is weakly conserved and there is a moderate physicochemical difference between histidine and proline.

NM_000059.4(BRCA2):c.4049A>C (p.His1350Pro)

Gene: BRCA2 (BRCA2 DNA repair associated; plus strand). Cytogenetic location: 13q13.1.
Variant type: single nucleotide variant.
Coding change: c.4049A>C on transcript NM_000059.4 (MANE Select); coding-DNA position 4049, A replaced by C.
Protein change: p.His1350Pro; replaces histidine 1350 with proline.
Molecular consequence: missense variant.
Genome position (GRCh38, 1-based): chr13:32,338,404, A>C. VCF-style: chr13-32338404-A-C. GRCh37 (hg19) VCF-style: chr13-32912541-A-C.
Other names: short protein forms H1350P.
Identifiers: ClinVar variation 842784 (VCV000842784.11), dbSNP rs2072494442, ClinGen allele CA387779103.
Genomic context (GRCh38, chr13:32,338,404, plus strand): 5'-ATTCTCATAACTTAGAATTTGATGGCAGTGATTCAAGTAAAAATGATACTGTTTGTATTC[A>C]TAAAGATGAAACGGACTTGCTATTTACTGATCAGCACAACATATGTCTTAAATTATCTGG-3'
Protein context (NP_000050.3, residues 1340-1360): DSSKNDTVCI[His1350Pro]KDETDLLFTD